The following is an entry in ClinVar:

NM_001250.6(CD40):c.681C>T (p.Pro227=)

Gene: CD40 (CD40 molecule; plus strand). Cytogenetic location: 20q13.12.
Variant type: single nucleotide variant.
Coding change: c.681C>T on transcript NM_001250.6 (MANE Select); coding-DNA position 681, C replaced by T.
Protein change: p.Pro227=; no amino-acid change (proline 227 retained).
Molecular consequence: synonymous variant. On other transcripts: 3 prime UTR variant (3), non-coding transcript variant (2).
Genome position (GRCh38, 1-based): chr20:46,128,887, C>T. VCF-style: chr20-46128887-C-T. GRCh37 (hg19) VCF-style: chr20-44757526-C-T.
Other names: c.*7C>T (NM_001302753.2, NM_001362758.2, NM_152854.4); c.693C>T, p.Pro231= (NM_001322421.2); c.525C>T, p.Pro175= (NM_001322422.2).
Identifiers: ClinVar variation 782170 (VCV000782170.22), dbSNP rs148342289, ClinGen allele CA9888652.

ClinVar aggregate classification (germline): Benign/Likely benign. Review status: criteria provided, multiple submitters, no conflicts (2 of 4 stars). 2 submissions from 2 submitters: Benign (1); Likely benign (1). Last evaluated 2026-01-12.

Allele frequency attached by ClinVar (database versions not stated): TOPMed 0.00025; ESP Exome Variant Server 0.00046; gnomAD exomes 0.00108 and 0.00263; 1000 Genomes Project 30x 0.00156; gnomAD 0.00193 and 0.00198; 1000 Genomes Project 0.00200; ExAC 0.00288.
gnomAD v4.1: 1,890 of 1,614,060 alleles (0.12%); highest among the groups gnomAD compares: Non-Finnish European, 0.036%; 13 homozygotes.

Submissions (2):

Labcorp Genetics (formerly Invitae), Labcorp
Classification: Benign. Last evaluated: 2026-01-12. Review status: criteria provided, single submitter. Criteria: Invitae Variant Classification Sherloc (09022015). Collection method: clinical testing. Allele origin: germline.

CeGaT Center for Human Genetics Tuebingen
Classification: Likely benign. Last evaluated: 2025-02-01. Review status: criteria provided, single submitter. Criteria: CeGaT Center For Human Genetics Tuebingen Variant Classification Criteria Version 2. Collection method: clinical testing. Allele origin: germline. Affected: yes. Observed: 1 variant allele.
Comment: CD40: BP4, BP7